The following is an entry in ClinVar:

ClinVar aggregate classification (germline): Uncertain significance (1 of 4 stars; one submission).

Conditions:
Familial cancer of breast. Also called: Hereditary breast cancer; BREAST CANCER, FAMILIAL; hereditary breast carcinoma. Identifiers: Orphanet 227535, MedGen C0346153, MONDO:0016419, OMIM 114480. Disease mechanism: loss of function.

gnomAD v4.1: 1 of 1,611,310 alleles (0.000062%); no homozygotes.

Submission:

Labcorp Genetics (formerly Invitae), Labcorp
Classification: Uncertain significance for Familial cancer of breast. Last evaluated: 2025-11-22. Review status: criteria provided, single submitter. Criteria: Invitae Variant Classification Sherloc (09022015). Collection method: clinical testing. Allele origin: germline.
Comment: This sequence change replaces aspartic acid, which is acidic and polar, with glutamic acid, which is acidic and polar, at codon 80 of the PALB2 protein (p.Asp80Glu). This variant is not present in population databases (gnomAD no frequency). This variant has not been reported in the literature in individuals affected with PALB2-related conditions. ClinVar contains an entry for this variant (Variation ID: 1018309). An algorithm developed to predict the effect of missense changes on protein structure and function outputs the following: PolyPhen-2: "Benign". The glutamic acid amino acid residue is found in multiple mammalian species, which suggests that this missense change does not adversely affect protein function. In summary, the available evidence is currently insufficient to determine the role of this variant in disease. Therefore, it has been classified as a Variant of Uncertain Significance.

NM_024675.4(PALB2):c.240C>G (p.Asp80Glu)

Gene: PALB2 (partner and localizer of BRCA2; minus strand). Cytogenetic location: 16p12.2.
Variant type: single nucleotide variant.
Coding change: c.240C>G on transcript NM_024675.4 (MANE Select); coding-DNA position 240, C replaced by G.
Protein change: p.Asp80Glu; replaces aspartic acid 80 with glutamic acid.
Molecular consequence: missense variant.
Genome position (GRCh38, 1-based): chr16:23,636,306, G>C on the plus strand (C>G on the coding strand, the complement: PALB2 is on the minus strand). VCF-style: chr16-23636306-G-C. GRCh37 (hg19) VCF-style: chr16-23647627-G-C.
Other names: short protein forms D80E.
Identifiers: ClinVar variation 1018309 (VCV001018309.10), dbSNP rs1597099799, ClinGen allele CA395138930.